The following is an entry in ClinVar:

ClinVar aggregate classification (germline): Pathogenic (1 of 4 stars; one submission).

Conditions:
Structural eye disease.

Submission:

Genetics Laboratory, Great Ormond Street Hospital NHS Foundation Trust, North Thames Genomic Laboratory Hub
Classification: Pathogenic for Structural eye disease. Last evaluated: 2026-04-29. Review status: criteria provided, single submitter. Criteria: ACGS Best Practice Guidelines for Variant Classification in Rare Disease 2024 v1.2. Collection method: clinical testing. Allele origin: germline. Affected: yes.
Comment: PM2_moderate, PVS1_very-strong

NM_000693.4(ALDH1A3):c.1276G>T (p.Glu426Ter)

Genes: ALDH1A3 (aldehyde dehydrogenase 1 family member A3; plus strand), ALDH1A3-AS1 (ALDH1A3 antisense RNA 1; minus strand). Cytogenetic location: 15q26.3.
Variant type: single nucleotide variant.
Coding change: c.1276G>T on transcript NM_000693.4 (MANE Select); coding-DNA position 1276, G replaced by T.
Protein change: p.Glu426Ter; replaces glutamic acid 426 with a stop codon.
Molecular consequence: nonsense.
Genome position (GRCh38, 1-based): chr15:100,907,163, G>T. VCF-style: chr15-100907163-G-T. GRCh37 (hg19) VCF-style: chr15-101447368-G-T.
Other names: c.955G>T, p.Glu319Ter (NM_001293815.2); short protein forms E319*, E426*.
Identifiers: ClinVar variation 4857016 (VCV004857016.1).